The following is an entry in ClinVar:

NM_016284.5(CNOT1):c.2008A>G (p.Ile670Val)

Gene: CNOT1 (CCR4-NOT transcription complex subunit 1; minus strand). Cytogenetic location: 16q21.
Variant type: single nucleotide variant.
Coding change: c.2008A>G on transcript NM_016284.5 (MANE Select); coding-DNA position 2008, A replaced by G.
Protein change: p.Ile670Val; replaces isoleucine 670 with valine.
Molecular consequence: missense variant. On other transcripts: non-coding transcript variant (1).
Genome position (GRCh38, 1-based): chr16:58,560,334, T>C on the plus strand (A>G on the coding strand, the complement: CNOT1 is on the minus strand). VCF-style: chr16-58560334-T-C. GRCh37 (hg19) VCF-style: chr16-58594238-T-C.
Other names: c.2008A>G, p.Ile670Val (NM_001265612.2, NM_206999.3); short protein forms I670V.
Identifiers: ClinVar variation 1940489 (VCV001940489.4), dbSNP rs757997652, ClinGen allele CA8089772.
Genomic context (GRCh38, chr16:58,560,334, plus strand): 5'-CAGGTGGTGGTTGTCTGGCCTTATTCATAACATTACTGCAATTGGCTACCATGGTGAGGA[T>C]AGTTTCTGATAGCTCCTGAGAAACACTCCTAAAATAGAGGGGAAAAGGTAAAAAATATCA-3'
Protein context (NP_057368.3, residues 660-680): GSVSQELSET[Ile670Val]LTMVANCSNV

ClinVar aggregate classification (germline): Uncertain significance (1 of 4 stars; one submission).

Allele frequency attached by ClinVar (database versions not stated): gnomAD exomes 0.00001; TOPMed 0.00001; ExAC 0.00002.
gnomAD v4.1: 9 of 1,613,954 alleles (0.00056%); highest among the groups gnomAD compares: Middle Eastern, 0.033%; no homozygotes.

Submission:

Labcorp Genetics (formerly Invitae), Labcorp
Classification: Uncertain significance. Last evaluated: 2023-12-11. Review status: criteria provided, single submitter. Criteria: Invitae Variant Classification Sherloc (09022015). Collection method: clinical testing. Allele origin: germline.
Comment: This sequence change replaces isoleucine, which is neutral and non-polar, with valine, which is neutral and non-polar, at codon 670 of the CNOT1 protein (p.Ile670Val). This variant is present in population databases (rs757997652, gnomAD 0.003%). This variant has not been reported in the literature in individuals affected with CNOT1-related conditions. ClinVar contains an entry for this variant (Variation ID: 1940489). An algorithm developed to predict the effect of missense changes on protein structure and function (PolyPhen-2) suggests that this variant is likely to be disruptive. In summary, the available evidence is currently insufficient to determine the role of this variant in disease. Therefore, it has been classified as a Variant of Uncertain Significance.